The following is an entry in ClinVar:

NM_000136.3(FANCC):c.133C>T (p.Leu45=)

Gene: FANCC (FA complementation group C; minus strand). Cytogenetic location: 9q22.32.
Variant type: single nucleotide variant.
Coding change: c.133C>T on transcript NM_000136.3 (MANE Select); coding-DNA position 133, C replaced by T.
Protein change: p.Leu45=; no amino-acid change (leucine 45 retained).
Molecular consequence: synonymous variant.
Genome position (GRCh38, 1-based): chr9:95,249,159, G>A on the plus strand (C>T on the coding strand, the complement: FANCC is on the minus strand). VCF-style: chr9-95249159-G-A. GRCh37 (hg19) VCF-style: chr9-98011441-G-A.
Other names: c.133C>T, p.Leu45= (NM_001243743.2, NM_001243744.2).
Identifiers: ClinVar variation 818979 (VCV000818979.14), dbSNP rs1588353394, ClinGen allele CA466275730.

ClinVar aggregate classification (germline): Conflicting classifications of pathogenicity. Review status: criteria provided, conflicting classifications (1 of 4 stars). 3 submissions from 3 submitters: Uncertain significance (1); Likely benign (2). Last evaluated 2022-10-18.

Conditions:
Fanconi anemia (FA). Also called: Fanconi's anemia. Identifiers: Orphanet 84, MedGen C0015625, MeSH D005199, MONDO:0019391.
Hereditary cancer-predisposing syndrome. Also called: Tumor predisposition; Hereditary neoplastic syndrome; Neoplastic Syndromes, Hereditary; Hereditary Cancer Syndrome. Identifiers: Orphanet 140162, MedGen C0027672, MeSH D009386, MONDO:0015356.

Submissions (3):

Quest Diagnostics Nichols Institute San Juan Capistrano
Classification: Uncertain significance. Last evaluated: 2022-10-18. Review status: criteria provided, single submitter. Criteria: Quest Diagnostics criteria. Collection method: clinical testing. Allele origin: unknown.
Comment: To the best of our knowledge, the variant has not been reported in the published literature. It also has not been reported in large, multi-ethnic general populations. Analysis of this variant using software algorithms for the prediction of the effect of nucleotide changes on splicing yielded predictions that this variant does not affect FANCC mRNA splicing . Based on the available information, we are unable to determine the clinical significance of this variant.

Labcorp Genetics (formerly Invitae), Labcorp
Classification: Likely benign for Fanconi anemia. Last evaluated: 2021-06-13. Review status: criteria provided, single submitter. Criteria: Invitae Variant Classification Sherloc (09022015). Collection method: clinical testing. Allele origin: germline.

Ambry Genetics
Classification: Likely benign for Hereditary cancer-predisposing syndrome. Last evaluated: 2019-09-12. Review status: criteria provided, single submitter. Criteria: Ambry Variant Classification Scheme 2023. Collection method: clinical testing. Allele origin: germline.